The following is an entry in ClinVar:

ClinVar aggregate classification (germline): Pathogenic (1 of 4 stars; one submission).

Conditions:
Neurofibromatosis, type 1 (NF1). Also called: VON RECKLINGHAUSEN DISEASE; Peripheral type neurofibromatosis; NEUROFIBROMATOSIS, TYPE I, SOMATIC; Neurofibromatosis, type I. Identifiers: Orphanet 636, MedGen C0027831, MONDO:0018975, OMIM 162200. Disease mechanism: loss of function.

Submission:

Labcorp Genetics (formerly Invitae), Labcorp
Classification: Pathogenic for Neurofibromatosis, type 1. Last evaluated: 2025-08-18. Review status: criteria provided, single submitter. Criteria: Invitae Variant Classification Sherloc (09022015). Collection method: clinical testing. Allele origin: germline.
Comment: This sequence change creates a premature translational stop signal (p.Thr2092Glnfs*37) in the NF1 gene. It is expected to result in an absent or disrupted protein product. Loss-of-function variants in NF1 are known to be pathogenic (PMID: 10712197, 23913538). This variant is not present in population databases (gnomAD no frequency). This premature translational stop signal has been observed in individual(s) with neurofibromatosis type 1 (PMID: 33877690). For these reasons, this variant has been classified as Pathogenic.

Literature cited by the submitters: PubMed 10712197; PubMed 23913538; PubMed 33877690.

NM_001042492.3(NF1):c.6336del (p.Thr2113fs)

Gene: NF1 (neurofibromin 1; plus strand). Cytogenetic location: 17q11.2.
Variant type: Deletion.
Coding change: c.6336del on transcript NM_001042492.3 (MANE Select); coding-DNA position 6336, one base deleted (C; older notation c.6336delC).
Protein change: p.Thr2113fs; shifts the reading frame from threonine 2113.
Molecular consequence: frameshift variant.
Genome position (GRCh38, 1-based): chr17:31,336,823, C deleted; the last of 2 consecutive C bases (chr17:31,336,822-31,336,823); deleting either gives the same sequence. VCF-style (leftmost placement, unchanged base first): chr17-31336821-GC-G. GRCh37 (hg19) VCF-style: chr17-29663839-GC-G.
Other names: c.6273del, p.Thr2092fs (NM_000267.4); short protein forms T2092fs, T2113fs.
Identifiers: ClinVar variation 4710823 (VCV004710823.1).